The following is an entry in ClinVar:

ClinVar aggregate classification (germline): Pathogenic (1 of 4 stars; one submission).

Conditions:
Hereditary cancer-predisposing syndrome. Also called: Neoplastic Syndromes, Hereditary; Tumor predisposition; Hereditary neoplastic syndrome; Hereditary Cancer Syndrome. Identifiers: Orphanet 140162, MedGen C0027672, MeSH D009386, MONDO:0015356.

Submission:

Ambry Genetics
Classification: Pathogenic for Hereditary cancer-predisposing syndrome. Last evaluated: 2024-04-16. Review status: criteria provided, single submitter. Criteria: Ambry Variant Classification Scheme 2023. Collection method: clinical testing. Allele origin: germline.
Comment: The c.901dupC pathogenic mutation, located in coding exon 7 of the STK11 gene, results from a duplication of C at nucleotide position 901, causing a translational frameshift with a predicted alternate stop codon (p.R301Pfs*17). This variant has been observed in at least one individual with a personal and/or family history that is consistent with Peutz-Jeghers syndrome (Ambry internal data). This variant is considered to be rare based on population cohorts in the Genome Aggregation Database (gnomAD). This alteration is expected to result in loss of function by premature protein truncation or nonsense-mediated mRNA decay. As such, this alteration is interpreted as a disease-causing mutation.

NM_000455.5(STK11):c.901dup (p.Arg301fs)

Gene: STK11 (serine/threonine kinase 11; plus strand). Cytogenetic location: 19p13.3.
Variant type: Duplication.
Coding change: c.901dup on transcript NM_000455.5 (MANE Select); coding-DNA position 901, one base duplicated (C; older notation c.901dupC).
Protein change: p.Arg301fs; shifts the reading frame from arginine 301.
Molecular consequence: frameshift variant. On other transcripts: non-coding transcript variant (1).
Genome position (GRCh38, 1-based): chr19:1,221,987, C duplicated; the last of 2 consecutive C bases (chr19:1,221,986-1,221,987); duplicating either gives the same sequence. VCF-style (leftmost placement, unchanged base first): chr19-1221985-T-TC. GRCh37 (hg19) VCF-style: chr19-1221984-T-TC.
Other names: c.901dup, p.Arg301fs (NM_001407255.1); c.901dupC (NM_000455.4); short protein forms R301fs.
Identifiers: ClinVar variation 3323260 (VCV003323260.1).